The following is an entry in ClinVar:

NM_022817.3(PER2):c.2318G>A (p.Arg773Gln)

Gene: PER2 (period circadian regulator 2; minus strand). Cytogenetic location: 2q37.3.
Variant type: single nucleotide variant.
Coding change: c.2318G>A on transcript NM_022817.3 (MANE Select); coding-DNA position 2318, G replaced by A.
Protein change: p.Arg773Gln; replaces arginine 773 with glutamine.
Molecular consequence: missense variant.
Genome position (GRCh38, 1-based): chr2:238,255,659, C>T on the plus strand (G>A on the coding strand, the complement: PER2 is on the minus strand). VCF-style: chr2-238255659-C-T. GRCh37 (hg19) VCF-style: chr2-239164300-C-T.
Other names: c.2318G>A (NM_022817.2); short protein forms R773Q.
Identifiers: ClinVar variation 2652063 (VCV002652063.25), dbSNP rs79066297, ClinGen allele CA2197123.

ClinVar aggregate classification (germline): Likely benign. Review status: criteria provided, single submitter (1 of 4 stars). 2 submissions from 2 submitters: Likely benign (1). 1 of the submissions does not count toward it. Last evaluated 2023-03-01.

Conditions:
PER2-related disorder. Also called: PER2-related condition.

Allele frequency attached by ClinVar (database versions not stated): 1000 Genomes Project 30x 0.00016; 1000 Genomes Project 0.00020; ESP Exome Variant Server 0.00062; TOPMed 0.00063; gnomAD 0.00084.
gnomAD v4.1: 1,684 of 1,614,206 alleles (0.1%); highest among the groups gnomAD compares: Non-Finnish European, 0.12%; 3 homozygotes.

Submissions (2):

CeGaT Center for Human Genetics Tuebingen
Classification: Likely benign. Last evaluated: 2023-03-01. Review status: criteria provided, single submitter. Criteria: CeGaT Center For Human Genetics Tuebingen Variant Classification Criteria Version 2. Collection method: clinical testing. Allele origin: germline. Affected: yes. Observed: 1 variant allele.
Comment: PER2: BP4

PreventionGenetics, part of Exact Sciences
Classification: Likely benign for PER2-related condition. Last evaluated: 2022-06-27. Review status: no assertion criteria provided. Collection method: clinical testing. Allele origin: germline. Not counted in ClinVar's aggregate classification.
Comment: This variant is classified as likely benign based on ACMG/AMP sequence variant interpretation guidelines (Richards et al. 2015 PMID: 25741868, with internal and published modifications).